The following is an entry in ClinVar:

NM_001283009.2(RTEL1):c.2389C>G (p.Pro797Ala)

Genes: RTEL1-TNFRSF6B (RTEL1-TNFRSF6B readthrough (NMD candidate); plus strand), RTEL1 (regulator of telomere elongation helicase 1; plus strand). Cytogenetic location: 20q13.33.
Variant type: single nucleotide variant.
Coding change: c.2389C>G on transcript NM_001283009.2 (MANE Select); coding-DNA position 2389, C replaced by G.
Protein change: p.Pro797Ala; replaces proline 797 with alanine.
Molecular consequence: missense variant. On other transcripts: non-coding transcript variant (1).
Genome position (GRCh38, 1-based): chr20:63,690,417, C>G. VCF-style: chr20-63690417-C-G. GRCh37 (hg19) VCF-style: chr20-62321770-C-G.
Other names: c.1720C>G, p.Pro574Ala (NM_001283010.1); c.2389C>G, p.Pro797Ala (NM_016434.4); c.2461C>G, p.Pro821Ala (NM_032957.5); short protein forms P574A, P797A, P821A.
Identifiers: ClinVar variation 1692616 (VCV001692616.1), dbSNP rs2090707732, ClinGen allele CA409681187.
Genomic context (GRCh38, chr20:63,690,417, plus strand): 5'-GCCAAGTCGCCTGGCCCCTTCTTCTCCACCAGGAAAGCTAAGAGTCTGGACCTGCATGTC[C>G]CCAGCCTGAAGCAGAGGTCCTCAGGTGCGGACGGGCAGCGCTGGGTGGGCGGTGTGGGGG-3'
Protein context (NP_001269938.1, residues 787-807): RKAKSLDLHV[Pro797Ala]SLKQRSSGSP

ClinVar aggregate classification (germline): Uncertain significance (1 of 4 stars; one submission).

Conditions:
Dyskeratosis congenita. Identifiers: Orphanet 1775, MedGen C0265965, MONDO:0015780.

Submission:

Sema4
Classification: Uncertain significance for Dyskeratosis congenita. Last evaluated: 2022-03-01. Review status: criteria provided, single submitter. Criteria: Sema4 Curation Guidelines. Collection method: curation. Allele origin: germline.
Comment: The RTEL1 c.2461C>G (p.P821A) variant has not been reported in the literature to our knowledge. It is also known as c.2389C>G (p.P797A) in transcript NM_001283009.1. It was not observed in the large and broad cohorts of the Genome Aggregation Database (PMID: 32461654). This variant has not been reported in ClinVar. Functional studies have not been performed, and in silico predictions of the variant's effect on protein function are inconclusive. The evidence is insufficient to meet ACMG/AMP criteria for classifying the variant as benign or pathogenic. Thus, the clinical significance of this variant is currently uncertain.